The following is an entry in ClinVar:

ClinVar aggregate classification (germline): Benign. Review status: criteria provided, multiple submitters, no conflicts (2 of 4 stars). 2 submissions from 2 submitters: Benign (2). Last evaluated 2018-06-14.

Allele frequency attached by ClinVar (database versions not stated): gnomAD 0.38551 and 0.40242; TOPMed 0.40890; gnomAD exomes 0.42792; 1000 Genomes Project 30x 0.56886; 1000 Genomes Project 0.58247.
gnomAD v4.1: 272,665 of 647,418 alleles (42%); highest among the groups gnomAD compares: East Asian, 86%; 65,935 homozygotes.

Submissions (2):

GeneDx
Classification: Benign. Last evaluated: 2018-06-14. Review status: criteria provided, single submitter. Criteria: GeneDx Variant Classification (06012015). Collection method: clinical testing. Allele origin: germline. Affected: yes.
Comment: This variant is considered likely benign or benign based on one or more of the following criteria: it is a conservative change, it occurs at a poorly conserved position in the protein, it is predicted to be benign by multiple in silico algorithms, and/or has population frequency not consistent with disease.

Breakthrough Genomics
Classification: Benign. Review status: criteria provided, single submitter. Criteria: ACMG Guidelines, 2015. Collection method: not provided. Allele origin: germline. Inheritance: Autosomal recessive inheritance. Affected: yes.

NM_145691.4(ATPAF2):c.616+191T>C

Gene: ATPAF2 (ATP synthase mitochondrial F1 complex assembly factor 2; minus strand). Cytogenetic location: 17p11.2.
Variant type: single nucleotide variant.
Coding change: c.616+191T>C on transcript NM_145691.4 (MANE Select); 191 bases into the intron after coding-DNA position 616, T replaced by C.
Molecular consequence: intron variant.
Genome position (GRCh38, 1-based): chr17:18,021,554, A>G on the plus strand (T>C on the coding strand, the complement: ATPAF2 is on the minus strand). VCF-style: chr17-18021554-A-G. GRCh37 (hg19) VCF-style: chr17-17924868-A-G.
Identifiers: ClinVar variation 669688 (VCV000669688.2), dbSNP rs9896837, ClinGen allele CA14374080.